The following is an entry in ClinVar:

ClinVar aggregate classification (germline): Conflicting classifications of pathogenicity. Review status: criteria provided, conflicting classifications (1 of 4 stars). 2 submissions from 2 submitters: Uncertain significance (1); Likely benign (1). Last evaluated 2025-12-02.

Conditions:
Cognitive impairment - coarse facies - heart defects - obesity - pulmonary involvement - short stature - skeletal dysplasia syndrome. Also called: COGNITIVE IMPAIRMENT, COARSE FACIES, HEART DEFECTS, OBESITY, PULMONARY INVOLVEMENT, SHORT STATURE, AND SKELETAL DYSPLASIA; Chops syndrome; AFF4-Related CHOPS Syndrome. Identifiers: Orphanet 444077, MedGen C4085597, MONDO:0014609, OMIM 616368.

gnomAD v4.1: 5 of 1,608,144 alleles (0.00031%); highest among the groups gnomAD compares: Non-Finnish European, 0.00042%; no homozygotes.

Submissions (2):

Labcorp Genetics (formerly Invitae), Labcorp
Classification: Uncertain significance for Cognitive impairment - coarse facies - heart defects - obesity - pulmonary involvement - short stature - skeletal dysplasia syndrome. Last evaluated: 2025-12-02. Review status: criteria provided, single submitter. Criteria: Invitae Variant Classification Sherloc (09022015). Collection method: clinical testing. Allele origin: germline.
Comment: This sequence change replaces serine, which is neutral and polar, with threonine, which is neutral and polar, at codon 352 of the AFF4 protein (p.Ser352Thr). This variant is present in population databases (rs751917471, gnomAD 0.002%). This variant has not been reported in the literature in individuals affected with AFF4-related conditions. Invitae Evidence Modeling of protein sequence and biophysical properties (such as structural, functional, and spatial information, amino acid conservation, physicochemical variation, residue mobility, and thermodynamic stability) indicates that this missense variant is not expected to disrupt AFF4 protein function with a negative predictive value of 80%. In summary, the available evidence is currently insufficient to determine the role of this variant in disease. Therefore, it has been classified as a Variant of Uncertain Significance.

Blueprint Genetics
Classification: Likely benign. Last evaluated: 2024-02-27. Review status: criteria provided, single submitter. Criteria: ACMG Guidelines, 2015. Collection method: clinical testing. Allele origin: germline.

NM_014423.4(AFF4):c.1054T>A (p.Ser352Thr)

Gene: AFF4 (ALF transcription elongation factor 4; minus strand). Cytogenetic location: 5q31.1.
Variant type: single nucleotide variant.
Coding change: c.1054T>A on transcript NM_014423.4 (MANE Select); coding-DNA position 1054, T replaced by A.
Protein change: p.Ser352Thr; replaces serine 352 with threonine.
Molecular consequence: missense variant.
Genome position (GRCh38, 1-based): chr5:132,904,401, A>T on the plus strand (T>A on the coding strand, the complement: AFF4 is on the minus strand). VCF-style: chr5-132904401-A-T. GRCh37 (hg19) VCF-style: chr5-132240093-A-T.
Other names: short protein forms S352T.
Identifiers: ClinVar variation 4709484 (VCV004709484.2).